The following is an entry in ClinVar:

ClinVar aggregate classification (germline): Uncertain significance. Review status: criteria provided, multiple submitters, no conflicts (2 of 4 stars). 2 submissions from 2 submitters: Uncertain significance (2). Last evaluated 2024-04-10.

Conditions:
Fanconi anemia (FA). Also called: Fanconi's anemia. Identifiers: Orphanet 84, MedGen C0015625, MeSH D005199, MONDO:0019391.
Fanconi anemia complementation group I (FANCI). Also called: FANCI-Related Fanconi Anemia. Identifiers: Orphanet 84, MedGen C1836861, MONDO:0012186, OMIM 609053.

Allele frequency attached by ClinVar (database versions not stated): gnomAD exomes 0.00001; TOPMed 0.00002; gnomAD 0.00003.
gnomAD v4.1: 9 of 1,613,506 alleles (0.00056%); highest among the groups gnomAD compares: African/African-American, 0.0093%; no homozygotes.

Submissions (2):

Fulgent Genetics
Classification: Uncertain significance for Fanconi anemia complementation group I. Last evaluated: 2024-04-10. Review status: criteria provided, single submitter. Criteria: ACMG Guidelines, 2015. Collection method: clinical testing. Allele origin: germline.

Labcorp Genetics (formerly Invitae), Labcorp
Classification: Uncertain significance for Fanconi anemia. Last evaluated: 2022-01-20. Review status: criteria provided, single submitter. Criteria: Invitae Variant Classification Sherloc (09022015). Collection method: clinical testing. Allele origin: germline.
Comment: This sequence change replaces valine, which is neutral and non-polar, with methionine, which is neutral and non-polar, at codon 368 of the FANCI protein (p.Val368Met). This variant is present in population databases (no rsID available, gnomAD 0.01%). This variant has not been reported in the literature in individuals affected with FANCI-related conditions. ClinVar contains an entry for this variant (Variation ID: 408232). Algorithms developed to predict the effect of missense changes on protein structure and function are either unavailable or do not agree on the potential impact of this missense change (SIFT: "Deleterious"; PolyPhen-2: "Possibly Damaging"; Align-GVGD: "Class C0"). In summary, the available evidence is currently insufficient to determine the role of this variant in disease. Therefore, it has been classified as a Variant of Uncertain Significance.

NM_001113378.2(FANCI):c.1102G>A (p.Val368Met)

Gene: FANCI (FA complementation group I; plus strand). Cytogenetic location: 15q26.1.
Variant type: single nucleotide variant.
Coding change: c.1102G>A on transcript NM_001113378.2 (MANE Select); coding-DNA position 1102, G replaced by A.
Protein change: p.Val368Met; replaces valine 368 with methionine.
Molecular consequence: missense variant.
Genome position (GRCh38, 1-based): chr15:89,274,294, G>A. VCF-style: chr15-89274294-G-A. GRCh37 (hg19) VCF-style: chr15-89817525-G-A.
Other names: c.823G>A, p.Val275Met (NM_001376910.1); c.1102G>A, p.Val368Met (NM_001376911.1, NM_018193.3); short protein forms V368M, V275M.
Identifiers: ClinVar variation 408232 (VCV000408232.8), dbSNP rs1060501897, ClinGen allele CA16614568.